The following is an entry in ClinVar:

NM_000080.4(CHRNE):c.1102C>A (p.Pro368Thr)

Genes: CHRNE (cholinergic receptor nicotinic epsilon subunit; minus strand), LOC130060041 (ATAC-STARR-seq lymphoblastoid silent region 8050; plus strand). Cytogenetic location: 17p13.2.
Variant type: single nucleotide variant.
Coding change: c.1102C>A on transcript NM_000080.4 (MANE Select); coding-DNA position 1102, C replaced by A.
Protein change: p.Pro368Thr; replaces proline 368 with threonine.
Molecular consequence: missense variant.
Genome position (GRCh38, 1-based): chr17:4,899,315, G>T on the plus strand (C>A on the coding strand, the complement: CHRNE is on the minus strand). VCF-style: chr17-4899315-G-T. GRCh37 (hg19) VCF-style: chr17-4802610-G-T.
Other names: short protein forms P368T.
Identifiers: ClinVar variation 971594 (VCV000971594.4), dbSNP rs763837110, ClinGen allele CA397300556.

ClinVar aggregate classification (germline): Uncertain significance (1 of 4 stars; one submission).

Conditions:
Congenital myasthenic syndrome 4A. Also called: CONGENITAL MYASTHENIC SYNDROME TYPE Ia1; Myasthenic syndrome, congenital, 4a, slow-channel; MYASTHENIC SYNDROME, CONGENITAL, 4A, SLOW-CHANNEL, AUTOSOMAL RECESSIVE. Identifiers: Orphanet 590, MedGen C4225413, MONDO:0011600, OMIM 605809.

gnomAD v4.1: 4 of 1,575,866 alleles (0.00025%); highest among the groups gnomAD compares: Middle Eastern, 0.018%; no homozygotes.

Submission:

Labcorp Genetics (formerly Invitae), Labcorp
Classification: Uncertain significance for Congenital myasthenic syndrome 4A. Last evaluated: 2025-04-13. Review status: criteria provided, single submitter. Criteria: Invitae Variant Classification Sherloc (09022015). Collection method: clinical testing. Allele origin: germline.
Comment: This sequence change replaces proline, which is neutral and non-polar, with threonine, which is neutral and polar, at codon 368 of the CHRNE protein (p.Pro368Thr). This variant is not present in population databases (gnomAD no frequency). This variant has not been reported in the literature in individuals affected with CHRNE-related conditions. ClinVar contains an entry for this variant (Variation ID: 971594). Invitae Evidence Modeling of protein sequence and biophysical properties (such as structural, functional, and spatial information, amino acid conservation, physicochemical variation, residue mobility, and thermodynamic stability) indicates that this missense variant is not expected to disrupt CHRNE protein function with a negative predictive value of 95%. In summary, the available evidence is currently insufficient to determine the role of this variant in disease. Therefore, it has been classified as a Variant of Uncertain Significance.